The following is an entry in ClinVar:

ClinVar aggregate classification (germline): Uncertain significance (1 of 4 stars; one submission).

Submission:

Ambry Genetics
Classification: Uncertain significance. Last evaluated: 2023-09-14. Review status: criteria provided, single submitter. Criteria: Ambry Variant Classification Scheme 2023. Collection method: clinical testing. Allele origin: germline.
Comment: The p.D201G variant (also known as c.602A>G), located in coding exon 1 of the PALLD gene, results from an A to G substitution at nucleotide position 602. The aspartic acid at codon 201 is replaced by glycine, an amino acid with similar properties. This amino acid position is conserved. In addition, the in silico prediction for this alteration is inconclusive. Since supporting evidence is limited at this time, the clinical significance of this alteration remains unclear.

NM_001166108.2(PALLD):c.602A>G (p.Asp201Gly)

Gene: PALLD (palladin, cytoskeletal associated protein; plus strand). Cytogenetic location: 4q32.3.
Variant type: single nucleotide variant.
Coding change: c.602A>G on transcript NM_001166108.2 (MANE Select); coding-DNA position 602, A replaced by G.
Protein change: p.Asp201Gly; replaces aspartic acid 201 with glycine.
Molecular consequence: missense variant.
Genome position (GRCh38, 1-based): chr4:168,512,106, A>G. VCF-style: chr4-168512106-A-G. GRCh37 (hg19) VCF-style: chr4-169433257-A-G.
Other names: c.602A>G, p.Asp201Gly (NM_016081.4); short protein forms D201G.
Identifiers: ClinVar variation 2625575 (VCV002625575.2), dbSNP rs2531434481, ClinGen allele CA358726417.
Genomic context (GRCh38, chr4:168,512,106, plus strand): 5'-CCATATTTAAAGCCGCAAAGCCAAGAAACAGAAGCCCAAATGGGGAGTCCTCGTCACCAG[A>G]CAGTGGGTACCTGTCTCCTAAAAATCAGCCGTCAGCCCTGCTGAGTGCCTCAGCCAGCCA-3'
Protein context (NP_001159580.1, residues 191-211): RSPNGESSSP[Asp201Gly]SGYLSPKNQP